The following is an entry in ClinVar:

NM_001692.4(ATP6V1B1):c.1298T>A (p.Val433Asp)

Gene: ATP6V1B1 (ATPase H+ transporting V1 subunit B1; plus strand). Cytogenetic location: 2p13.3.
Variant type: single nucleotide variant.
Coding change: c.1298T>A on transcript NM_001692.4 (MANE Select); coding-DNA position 1298, T replaced by A.
Protein change: p.Val433Asp; replaces valine 433 with aspartic acid.
Molecular consequence: missense variant.
Genome position (GRCh38, 1-based): chr2:70,964,785, T>A. VCF-style: chr2-70964785-T-A. GRCh37 (hg19) VCF-style: chr2-71191915-T-A.
Other names: short protein forms V433D.
Identifiers: ClinVar variation 624137 (VCV000624137.46), dbSNP rs149910460, ClinGen allele CA347188652.

ClinVar aggregate classification (germline): Uncertain significance. Review status: criteria provided, multiple submitters, no conflicts (2 of 4 stars). 3 submissions from 3 submitters: Uncertain significance (3). Last evaluated 2025-10-03.

Conditions:
Renal tubular acidosis with progressive nerve deafness. Also called: RENAL TUBULAR ACIDOSIS, AUTOSOMAL RECESSIVE, WITH PROGRESSIVE NERVE DEAFNESS; RTA WITH PROGRESSIVE NERVE DEAFNESS; renal tubular acidosis, distal, 2, with progressive sensorineural hearing loss; Distal Renal Tubular Acidosis with Progressive Sensorineural Deafness. Identifiers: MedGen C0403554, MONDO:0009968, OMIM 267300.

Submissions (3):

Rare Kidney Stone Consortium and the Mayo Clinic Hyperoxaluria Center, Mayo Clinic
Classification: Uncertain significance for Renal tubular acidosis with progressive nerve deafness. Last evaluated: 2025-10-03. Review status: criteria provided, single submitter. Criteria: ACMG Guidelines, 2015. Collection method: research. Allele origin: germline. Affected: yes. Observed: 1 variant allele.
Comment: ACMG:PM1, PM2, PP3

Labcorp Genetics (formerly Invitae), Labcorp
Classification: Uncertain significance. Last evaluated: 2021-08-27. Review status: criteria provided, single submitter. Criteria: Invitae Variant Classification Sherloc (09022015). Collection method: clinical testing. Allele origin: germline.
Comment: This sequence change replaces valine with aspartic acid at codon 433 of the ATP6V1B1 protein (p.Val433Asp). The valine residue is highly conserved and there is a large physicochemical difference between valine and aspartic acid. This variant is not present in population databases (ExAC no frequency). This variant has not been reported in the literature in individuals affected with ATP6V1B1-related conditions. ClinVar contains an entry for this variant (Variation ID: 624137). Algorithms developed to predict the effect of missense changes on protein structure and function are either unavailable or do not agree on the potential impact of this missense change (SIFT: "Deleterious"; PolyPhen-2: "Probably Damaging"; Align-GVGD: "Class C15"). In summary, the available evidence is currently insufficient to determine the role of this variant in disease. Therefore, it has been classified as a Variant of Uncertain Significance.

CeGaT Center for Human Genetics Tuebingen
Classification: Uncertain significance. Last evaluated: 2018-04-01. Review status: criteria provided, single submitter. Criteria: CeGaT Center For Human Genetics Tuebingen Variant Classification Criteria Version 2. Collection method: clinical testing. Allele origin: germline. Affected: yes. Observed: 1 variant allele.

Literature cited by the submitters: PubMed 40794449 (cited by Rare Kidney Stone Consortium and the Mayo Clinic Hyperoxaluria Center, Mayo Clinic).